The following is an entry in ClinVar:

ClinVar aggregate classification (germline): Conflicting classifications of pathogenicity. Review status: criteria provided, conflicting classifications (1 of 4 stars). 2 submissions from 2 submitters: Uncertain significance (1); Benign (1). Last evaluated 2024-02-14.

Conditions:
Kabuki syndrome. Also called: NIIKAWA-KUROKI SYNDROME; Kabuki make-up syndrome. Identifiers: Orphanet 2322, MedGen C0796004, MONDO:0016512.
Kabuki syndrome 1 (KABUK1). Also called: KMT2D-Related Kabuki Syndrome. Identifiers: Orphanet 2322, MedGen CN030661, MONDO:0007843, OMIM 147920.

Allele frequency attached by ClinVar (database versions not stated): ExAC 0.00002; TOPMed 0.00002; gnomAD exomes 0.00004; ESP Exome Variant Server 0.00008.
gnomAD v4.1: 55 of 1,613,872 alleles (0.0034%); highest among the groups gnomAD compares: Non-Finnish European, 0.0045%; no homozygotes.

Submissions (2):

Labcorp Genetics (formerly Invitae), Labcorp
Classification: Benign for Kabuki syndrome. Last evaluated: 2024-02-14. Review status: criteria provided, single submitter. Criteria: Invitae Variant Classification Sherloc (09022015). Collection method: clinical testing. Allele origin: germline.

Neuberg Centre For Genomic Medicine, NCGM
Classification: Uncertain significance for Kabuki syndrome 1. Review status: criteria provided, single submitter. Criteria: ACMG Guidelines, 2015. Collection method: clinical testing. Allele origin: germline. Inheritance: Autosomal dominant inheritance. Affected: yes.
Comment: The observed missense variant c.7610C>T(p.Thr2537Ile) in KMT2D gene has not been reported previously as a pathogenic variant nor as a benign variant, to our knowledge. The c.7610C>T variant is reported with 0.001% allele frequency in gnomAD Exomes. The amino acid Threonine at position 2537 is changed to a Isoleucine changing protein sequence and it might alter its composition and physico-chemical properties. The variant is predicted to be damaging by SIFT. The amino acid change p.Thr2537Ile in KMT2D is predicted as conserved by GERP++ and PhyloP across 100 vertebrates. For these reasons, this variant has been classified as Uncertain Significance.

NM_003482.4(KMT2D):c.7610C>T (p.Thr2537Ile)

Gene: KMT2D (lysine methyltransferase 2D; minus strand). Cytogenetic location: 12q13.12.
Variant type: single nucleotide variant.
Coding change: c.7610C>T on transcript NM_003482.4 (MANE Select); coding-DNA position 7610, C replaced by T.
Protein change: p.Thr2537Ile; replaces threonine 2537 with isoleucine.
Molecular consequence: missense variant.
Genome position (GRCh38, 1-based): chr12:49,040,160, G>A on the plus strand (C>T on the coding strand, the complement: KMT2D is on the minus strand). VCF-style: chr12-49040160-G-A. GRCh37 (hg19) VCF-style: chr12-49433943-G-A.
Other names: short protein forms T2537I.
Identifiers: ClinVar variation 3241980 (VCV003241980.3), dbSNP rs371489510.